The following is an entry in ClinVar:

ClinVar aggregate classification (germline): Uncertain significance (1 of 4 stars; one submission).

Submission:

Labcorp Genetics (formerly Invitae), Labcorp
Classification: Uncertain significance. Last evaluated: 2025-05-02. Review status: criteria provided, single submitter. Criteria: Invitae Variant Classification Sherloc (09022015). Collection method: clinical testing. Allele origin: germline.
Comment: This sequence change replaces leucine, which is neutral and non-polar, with histidine, which is basic and polar, at codon 447 of the MBD4 protein (p.Leu447His). This variant is not present in population databases (gnomAD no frequency). This variant has not been reported in the literature in individuals affected with MBD4-related conditions. An algorithm developed to predict the effect of missense changes on protein structure and function (PolyPhen-2) suggests that this variant is likely to be disruptive. In summary, the available evidence is currently insufficient to determine the role of this variant in disease. Therefore, it has been classified as a Variant of Uncertain Significance.

NM_001276270.2(MBD4):c.1322T>A (p.Leu441His)

Gene: MBD4 (methyl-CpG binding domain 4, DNA glycosylase; minus strand). Cytogenetic location: 3q21.3.
Variant type: single nucleotide variant.
Coding change: c.1322T>A on transcript NM_001276270.2 (MANE Select); coding-DNA position 1322, T replaced by A.
Protein change: p.Leu441His; replaces leucine 441 with histidine.
Molecular consequence: missense variant.
Genome position (GRCh38, 1-based): chr3:129,433,921, A>T on the plus strand (T>A on the coding strand, the complement: MBD4 is on the minus strand). VCF-style: chr3-129433921-A-T. GRCh37 (hg19) VCF-style: chr3-129152764-A-T.
Other names: c.1340T>A, p.Leu447His (NM_001276271.2, NM_001276272.2, NM_003925.3); c.386T>A, p.Leu129His (NM_001276273.2); short protein forms L441H, L447H, L129H.
Identifiers: ClinVar variation 4717940 (VCV004717940.1).
Genomic context (GRCh38, chr3:129,433,921, plus strand): 5'-TTGAGAAATATAGTAGCGATGAGAAGCTTCCATGGATCATGAAAAAGTGTTTCTTGAACG[A>T]GATTAAAAGGTGACCGAGGAGGTGTCCATTTCTTAAAGGCTTTACGTCGTGGGGGGCTAA-3'
Protein context (NP_001263199.1, residues 431-451): KWTPPRSPFN[Leu441His]VQETLFHDPW